The following is an entry in ClinVar:

NM_172107.4(KCNQ2):c.1962G>C (p.Glu654Asp)

Gene: KCNQ2 (potassium voltage-gated channel subfamily Q member 2; minus strand). Cytogenetic location: 20q13.33.
Variant type: single nucleotide variant.
Coding change: c.1962G>C on transcript NM_172107.4 (MANE Select); coding-DNA position 1962, G replaced by C.
Protein change: p.Glu654Asp; replaces glutamic acid 654 with aspartic acid.
Molecular consequence: missense variant.
Genome position (GRCh38, 1-based): chr20:63,407,301, C>G on the plus strand (G>C on the coding strand, the complement: KCNQ2 is on the minus strand). VCF-style: chr20-63407301-C-G. GRCh37 (hg19) VCF-style: chr20-62038654-C-G.
Other names: c.2016G>C, p.Glu672Asp (NM_001382235.1); c.1878G>C, p.Glu626Asp (NM_004518.6); c.1908G>C, p.Glu636Asp (NM_172106.3); c.1869G>C, p.Glu623Asp (NM_172108.5); short protein forms E672D, E636D, E654D, E623D, E626D.
Identifiers: ClinVar variation 3712345 (VCV003712345.2).

ClinVar aggregate classification (germline): Uncertain significance (1 of 4 stars; one submission).

Conditions:
Early-infantile DEE. Also called: Early infantile epileptic encephalopathy; Early infantile epileptic encephalopathy with suppression bursts; Ohtahara syndrome. Identifiers: Orphanet 1934, MedGen C0393706, MONDO:0800491.

gnomAD v4.1: 2 of 1,595,640 alleles (0.00013%); highest among the groups gnomAD compares: Non-Finnish European, 0.00017%; no homozygotes.

Submission:

Labcorp Genetics (formerly Invitae), Labcorp
Classification: Uncertain significance for Early-infantile DEE. Last evaluated: 2024-02-17. Review status: criteria provided, single submitter. Criteria: Invitae Variant Classification Sherloc (09022015). Collection method: clinical testing. Allele origin: germline.
Comment: This sequence change replaces glutamic acid, which is acidic and polar, with aspartic acid, which is acidic and polar, at codon 654 of the KCNQ2 protein (p.Glu654Asp). This variant is not present in population databases (gnomAD no frequency). This variant has not been reported in the literature in individuals affected with KCNQ2-related conditions. An algorithm developed to predict the effect of missense changes on protein structure and function (PolyPhen-2) suggests that this variant is likely to be disruptive. In summary, the available evidence is currently insufficient to determine the role of this variant in disease. Therefore, it has been classified as a Variant of Uncertain Significance.